The following is an entry in ClinVar:

ClinVar aggregate classification (germline): Conflicting classifications of pathogenicity. Review status: criteria provided, conflicting classifications (1 of 4 stars). 5 submissions from 4 submitters: Uncertain significance (4); Benign (1). Last evaluated 2026-08-01.

Conditions:
Adams-Oliver syndrome 5 (AOS5). Identifiers: Orphanet 974, MedGen C4014970, MONDO:0014459, OMIM 616028.
Aortic valve disease 1 (AOVD1). Identifiers: MedGen C3887892, MONDO:0024523, OMIM 109730.
Familial thoracic aortic aneurysm and aortic dissection (TAAD). Also called: Thoracic aortic aneurysms and dissections. Identifiers: Orphanet 91387, MedGen C4707243, MONDO:0019625.

Allele frequency attached by ClinVar (database versions not stated): ESP Exome Variant Server 0.00009; gnomAD exomes 0.00006; TOPMed 0.00008; ExAC 0.00008; gnomAD 0.00009.

Submissions (5):

GeneDx
Classification: Uncertain significance. Last evaluated: 2026-08-01. Review status: criteria provided, single submitter. Criteria: GeneDx Variant Classification Process June 2021. Collection method: clinical testing. Allele origin: germline.
Comment: Has not been previously published as pathogenic or benign to our knowledge; In silico analysis supports that this missense variant has a deleterious effect on protein structure/function

Labcorp Genetics (formerly Invitae), Labcorp
Classification: Benign for Adams-Oliver syndrome 5. Last evaluated: 2026-01-21. Review status: criteria provided, single submitter. Criteria: Invitae Variant Classification Sherloc (09022015). Collection method: clinical testing. Allele origin: germline.

Ambry Genetics
Classification: Uncertain significance for Familial thoracic aortic aneurysm and aortic dissection. Last evaluated: 2024-09-09. Review status: criteria provided, single submitter. Criteria: Ambry Variant Classification Scheme 2023. Collection method: clinical testing. Allele origin: germline.

Genome-Nilou Lab
Classification: Uncertain significance for Adams-Oliver syndrome 5. Last evaluated: 2022-03-15. Review status: criteria provided, single submitter. Criteria: ACMG Guidelines, 2015. Collection method: clinical testing. Allele origin: germline. Affected: no.

Genome-Nilou Lab
Classification: Uncertain significance for Aortic valve disease 1. Last evaluated: 2022-03-15. Review status: criteria provided, single submitter. Criteria: ACMG Guidelines, 2015. Collection method: clinical testing. Allele origin: germline. Affected: no.

NM_017617.5(NOTCH1):c.4157C>T (p.Pro1386Leu)

Gene: NOTCH1 (notch receptor 1; minus strand). Cytogenetic location: 9q34.3.
Variant type: single nucleotide variant.
Coding change: c.4157C>T on transcript NM_017617.5 (MANE Select); coding-DNA position 4157, C replaced by T.
Protein change: p.Pro1386Leu; replaces proline 1386 with leucine.
Molecular consequence: missense variant.
Genome position (GRCh38, 1-based): chr9:136,505,739, G>A on the plus strand (C>T on the coding strand, the complement: NOTCH1 is on the minus strand). VCF-style: chr9-136505739-G-A. GRCh37 (hg19) VCF-style: chr9-139400191-G-A.
Other names: c.4157C>T, p.Pro1386Leu (LRG_1122t1); short protein forms P1386L.
Identifiers: ClinVar variation 409066 (VCV000409066.21), dbSNP rs367710569, ClinGen allele CA5340674.